The following is an entry in ClinVar:

NM_000388.4(CASR):c.2707G>C (p.Gly903Arg)

Gene: CASR (calcium sensing receptor; plus strand). Cytogenetic location: 3q21.1.
Variant type: single nucleotide variant.
Coding change: c.2707G>C on transcript NM_000388.4 (MANE Select); coding-DNA position 2707, G replaced by C.
Protein change: p.Gly903Arg; replaces glycine 903 with arginine.
Molecular consequence: missense variant.
Genome position (GRCh38, 1-based): chr3:122,284,661, G>C. VCF-style: chr3-122284661-G-C. GRCh37 (hg19) VCF-style: chr3-122003508-G-C.
Other names: c.2737G>C, p.Gly913Arg (NM_001178065.2); short protein forms G903R, G913R.
Identifiers: ClinVar variation 1795002 (VCV001795002.7), dbSNP rs2473281517, ClinGen allele CA354160598.
Genomic context (GRCh38, chr3:122,284,661, plus strand): 5'-GTGGCTGCCCGGGCCACGCTGCGCCGCAGCAACGTCTCCCGCAAGCGGTCCAGCAGCCTT[G>C]GAGGCTCCACGGGATCCACCCCCTCCTCCTCCATCAGCAGCAAGAGCAACAGCGAAGACC-3'
Protein context (NP_000379.3, residues 893-913): NVSRKRSSSL[Gly903Arg]GSTGSTPSSS

ClinVar aggregate classification (germline): Uncertain significance. Review status: criteria provided, multiple submitters, no conflicts (2 of 4 stars). 2 submissions from 2 submitters: Uncertain significance (2). Last evaluated 2022-08-30.

Conditions:
Familial hypocalciuric hypercalcemia (FHH). Also called: Familial benign hypercalcemia. Identifiers: Orphanet 405, MedGen C1809471, MONDO:0018458.
Autosomal dominant hypocalcemia 1 (HYPOC1). Also called: HYPOCALCEMIA, FAMILIAL. Identifiers: MedGen C3715128, MONDO:0011013, OMIM 601198.
Nephrolithiasis/nephrocalcinosis. Identifiers: MedGen CN580796.

Submissions (2):

Ambry Genetics
Classification: Uncertain significance for Nephrolithiasis/nephrocalcinosis. Last evaluated: 2022-08-30. Review status: criteria provided, single submitter. Criteria: Ambry Variant Classification Scheme 2023. Collection method: clinical testing. Allele origin: germline.
Comment: The p.G903R variant (also known as c.2707G>C), located in coding exon 6 of the CASR gene, results from a G to C substitution at nucleotide position 2707. The glycine at codon 903 is replaced by arginine, an amino acid with dissimilar properties. This amino acid position is conserved. In addition, this alteration is predicted to be deleterious by in silico analysis. Since supporting evidence is limited at this time, the clinical significance of this alteration remains unclear.

Labcorp Genetics (formerly Invitae), Labcorp
Classification: Uncertain significance for Familial hypocalciuric hypercalcemia; Autosomal dominant hypocalcemia 1. Last evaluated: 2022-07-14. Review status: criteria provided, single submitter. Criteria: Invitae Variant Classification Sherloc (09022015). Collection method: clinical testing. Allele origin: germline.
Comment: In summary, the available evidence is currently insufficient to determine the role of this variant in disease. Therefore, it has been classified as a Variant of Uncertain Significance. Algorithms developed to predict the effect of missense changes on protein structure and function (SIFT, PolyPhen-2, Align-GVGD) all suggest that this variant is likely to be disruptive. This variant has not been reported in the literature in individuals affected with CASR-related conditions. This variant is not present in population databases (gnomAD no frequency). This sequence change replaces glycine, which is neutral and non-polar, with arginine, which is basic and polar, at codon 903 of the CASR protein (p.Gly903Arg).